The following is an entry in ClinVar:

NM_000228.3(LAMB3):c.2237G>A (p.Arg746Gln)

Gene: LAMB3 (laminin subunit beta 3; minus strand). Cytogenetic location: 1q32.2.
Variant type: single nucleotide variant.
Coding change: c.2237G>A on transcript NM_000228.3 (MANE Select); coding-DNA position 2237, G replaced by A.
Protein change: p.Arg746Gln; replaces arginine 746 with glutamine.
Molecular consequence: missense variant.
Genome position (GRCh38, 1-based): chr1:209,623,626, C>T on the plus strand (G>A on the coding strand, the complement: LAMB3 is on the minus strand). VCF-style: chr1-209623626-C-T. GRCh37 (hg19) VCF-style: chr1-209796971-C-T.
Other names: c.2237G>A, p.Arg746Gln (NM_001017402.2, NM_001127641.1); short protein forms R746Q.
Identifiers: ClinVar variation 2191712 (VCV002191712.1), dbSNP rs373170122, ClinGen allele CA1375319.

ClinVar aggregate classification (germline): Uncertain significance (1 of 4 stars; one submission).

Allele frequency attached by ClinVar (database versions not stated): gnomAD exomes 0.00002; ExAC 0.00003; TOPMed 0.00003; gnomAD 0.00004; ESP Exome Variant Server 0.00015.
gnomAD v4.1: 41 of 1,614,102 alleles (0.0025%); highest among the groups gnomAD compares: Non-Finnish European, 0.0029%; no homozygotes.

Submission:

Labcorp Genetics (formerly Invitae), Labcorp
Classification: Uncertain significance. Last evaluated: 2022-08-23. Review status: criteria provided, single submitter. Criteria: Invitae Variant Classification Sherloc (09022015). Collection method: clinical testing. Allele origin: germline.
Comment: This sequence change replaces arginine, which is basic and polar, with glutamine, which is neutral and polar, at codon 746 of the LAMB3 protein (p.Arg746Gln). This variant is present in population databases (rs373170122, gnomAD 0.005%). This variant has not been reported in the literature in individuals affected with LAMB3-related conditions. Algorithms developed to predict the effect of missense changes on protein structure and function are either unavailable or do not agree on the potential impact of this missense change (SIFT: "Deleterious"; PolyPhen-2: "Benign"; Align-GVGD: "Class C35"). In summary, the available evidence is currently insufficient to determine the role of this variant in disease. Therefore, it has been classified as a Variant of Uncertain Significance.